The following is an entry in ClinVar:

ClinVar aggregate classification (germline): Benign. Review status: criteria provided, multiple submitters, no conflicts (2 of 4 stars). 7 submissions from 5 submitters: Benign (6). 1 of the submissions does not count toward it. Last evaluated 2026-02-01.

Conditions:
Retinitis pigmentosa (RP). Identifiers: Orphanet 791, MedGen C0035334, MeSH D012174, MONDO:0019200, OMIM 268000. Inheritance: Autosomal dominant, autosomal recessive and X linked inheritance.
Autosomal dominant vitreoretinochoroidopathy. Also called: VITREORETINOCHOROIDOPATHY WITH MICROCORNEA, GLAUCOMA, AND CATARACT; VITREORETINOCHOROIDOPATHY, AUTOSOMAL DOMINANT, WITH NANOPHTHALMOS; Autosomal Dominant Vitreoretinochoroidopathy (ADVIRC). Identifiers: Orphanet 263347, Orphanet 3086, MedGen C3888099, MONDO:0008662, OMIM 193220.
Vitelliform macular dystrophy 2. Also called: VITELLIFORM MACULAR DYSTROPHY, EARLY-ONSET; VITELLIFORM MACULAR DYSTROPHY, JUVENILE-ONSET; Best Macular Dystrophy; Best vitelliform macular dystrophy, multifocal; MACULAR DEGENERATION, POLYMORPHIC VITELLINE; Best Vitelliform Macular Dystrophy (BVMD). Identifiers: Orphanet 1243, MedGen C2745945, MONDO:0007931, OMIM 153700.

Allele frequency attached by ClinVar (database versions not stated): gnomAD exomes 0.00330 and 0.00950; ExAC 0.01207; gnomAD 0.03678 and 0.03928; TOPMed 0.04027; ESP Exome Variant Server 0.04176; 1000 Genomes Project 0.04433; 1000 Genomes Project 30x 0.04794.
gnomAD v4.1: 10,653 of 1,614,024 alleles (0.66%); highest among the groups gnomAD compares: African/African-American, 13%; 604 homozygotes.

Submissions (7):

Labcorp Genetics (formerly Invitae), Labcorp
Classification: Benign. Last evaluated: 2026-02-01. Review status: criteria provided, single submitter. Criteria: Invitae Variant Classification Sherloc (09022015). Collection method: clinical testing. Allele origin: germline.

GeneDx
Classification: Benign. Last evaluated: 2018-07-05. Review status: criteria provided, single submitter. Criteria: GeneDx Variant Classification Process June 2021. Collection method: clinical testing. Allele origin: germline. Affected: yes.

Illumina Laboratory Services, Illumina
Classification: Benign for Autosomal dominant vitreoretinochoroidopathy. Last evaluated: 2018-01-13. Review status: criteria provided, single submitter. Criteria: ICSL Variant Classification Criteria 13 December 2019. Collection method: clinical testing. Allele origin: germline.
Comment: This variant was observed in the ICSL laboratory as part of a predisposition screen in an ostensibly healthy population. It had not been previously curated by ICSL or reported in the Human Gene Mutation Database (HGMD: prior to June 1st, 2018), and was therefore a candidate for classification through an automated scoring system. Utilizing variant allele frequency, disease prevalence and penetrance estimates, and inheritance mode, an automated score was calculated to assess if this variant is too frequent to cause the disease. Based on the score and internal cut-off values, a variant classified as benign is not then subjected to further curation. The score for this variant resulted in a classification of benign for this disease.

Illumina Laboratory Services, Illumina
Classification: Benign for Vitelliform macular dystrophy 2. Last evaluated: 2018-01-13. Review status: criteria provided, single submitter. Criteria: ICSL Variant Classification Criteria 13 December 2019. Collection method: clinical testing. Allele origin: germline.
Comment: the same text as in the submission from Illumina Laboratory Services, Illumina above.

Illumina Laboratory Services, Illumina
Classification: Benign for Retinitis pigmentosa. Last evaluated: 2018-01-13. Review status: criteria provided, single submitter. Criteria: ICSL Variant Classification Criteria 13 December 2019. Collection method: clinical testing. Allele origin: germline.
Comment: the same text as in the submission from Illumina Laboratory Services, Illumina above.

Breakthrough Genomics
Classification: Benign. Review status: criteria provided, single submitter. Criteria: ACMG Guidelines, 2015. Collection method: not provided. Allele origin: germline. Inheritance: Autosomal dominant inheritance. Affected: yes.

Retina International
No classification provided. Review status: no classification provided. Collection method: not provided. Allele origin: not provided. Not counted in ClinVar's aggregate classification.

NM_004183.4(BEST1):c.696C>A (p.Ile232=)

Gene: BEST1 (bestrophin 1; plus strand). Cytogenetic location: 11q12.3.
Variant type: single nucleotide variant.
Coding change: c.696C>A on transcript NM_004183.4 (MANE Select); coding-DNA position 696, C replaced by A.
Protein change: p.Ile232=; no amino-acid change (isoleucine 232 retained).
Molecular consequence: synonymous variant. On other transcripts: non-coding transcript variant (1).
Genome position (GRCh38, 1-based): chr11:61,957,446, C>A. VCF-style: chr11-61957446-C-A. GRCh37 (hg19) VCF-style: chr11-61724918-C-A.
Other names: c.516C>A, p.Ile172= (NM_001139443.3, NM_001300786.2, NM_001300787.2); c.378C>A, p.Ile126= (NM_001363591.3); c.696C>A, p.Ile232= (NM_001363592.2); c.-480C>A (NM_001363593.3).
Identifiers: ClinVar variation 99743 (VCV000099743.15), dbSNP rs1805140, ClinGen allele CA227806.
Genomic context (GRCh38, chr11:61,957,446, plus strand): 5'-GGAGATGAACACCTTGCGTACTCAGTGTGGACACCTGTATGCCTACGACTGGATTAGTAT[C>A]CCACTGGTGTATACACAGGTGAGGACTAGGCTGGTGAGGCTGCCCTTTTGGGAAACTGAG-3'
Protein context (NP_004174.1, residues 222-242): GHLYAYDWIS[Ile232=]PLVYTQVVTV